The following is an entry in ClinVar:

NM_018429.3(BDP1):c.2176A>T (p.Ile726Leu)

Gene: BDP1 (BDP1 general transcription factor IIIB subunit; plus strand). Cytogenetic location: 5q13.2.
Variant type: single nucleotide variant.
Coding change: c.2176A>T on transcript NM_018429.3 (MANE Select); coding-DNA position 2176, A replaced by T.
Protein change: p.Ile726Leu; replaces isoleucine 726 with leucine.
Molecular consequence: missense variant.
Genome position (GRCh38, 1-based): chr5:71,502,726, A>T. VCF-style: chr5-71502726-A-T. GRCh37 (hg19) VCF-style: chr5-70798553-A-T.
Other names: NC_000005.9:g.70798553A>T; short protein forms I726L.
Identifiers: ClinVar variation 509130 (VCV000509130.37), dbSNP rs34588160, ClinGen allele CA3296198.

ClinVar aggregate classification (germline): Benign/Likely benign. Review status: criteria provided, multiple submitters, no conflicts (2 of 4 stars). 5 submissions from 5 submitters: Benign (2); Likely benign (3). Last evaluated 2024-11-25.

Allele frequency attached by ClinVar (database versions not stated): gnomAD 0.00344; 1000 Genomes Project 0.00379; 1000 Genomes Project 30x 0.00422; TOPMed 0.00429; ESP Exome Variant Server 0.00478; ExAC 0.00562; gnomAD exomes 0.00648.
gnomAD v4.1: 8,087 of 1,614,042 alleles (0.5%); highest among the groups gnomAD compares: Middle Eastern, 5.3%; 67 homozygotes.

Submissions (9):

Blueprint Genetics
Classification: Likely benign. Last evaluated: 2024-11-25. Review status: criteria provided, single submitter. Criteria: ACMG Guidelines, 2015. Collection method: clinical testing. Allele origin: germline.

CeGaT Center for Human Genetics Tuebingen
Classification: Benign. Last evaluated: 2023-03-01. Review status: criteria provided, single submitter. Criteria: CeGaT Center For Human Genetics Tuebingen Variant Classification Criteria Version 2. Collection method: clinical testing. Allele origin: germline. Affected: yes. Observed: 3 variant alleles.
Comment: BDP1: BP4, BS1, BS2

GeneDx
Classification: Benign. Last evaluated: 2019-04-01. Review status: criteria provided, single submitter. Criteria: GeneDx Variant Classification Process June 2021. Collection method: clinical testing. Allele origin: germline. Affected: yes.

Labcorp Genetics (formerly Invitae), Labcorp
Classification: Likely benign. Last evaluated: 2018-07-30. Review status: criteria provided, single submitter. Criteria: Invitae Variant Classification Sherloc (09022015). Collection method: clinical testing. Allele origin: germline.

Breakthrough Genomics
Classification: Likely benign. Review status: criteria provided, single submitter. Criteria: ACMG Guidelines, 2015. Collection method: not provided. Allele origin: germline. Inheritance: Autosomal recessive inheritance. Affected: yes.

Dr. Peter K. Rogan Lab, Western University
No classification provided (evidence only). Condition: Clear cell carcinoma of kidney. Review status: no classification provided. Collection method: in vitro. Allele origin: not applicable. Functional consequence: retained intron. Not counted in ClinVar's aggregate classification.

Dr. Peter K. Rogan Lab, Western University
No classification provided (evidence only). Condition: Acute myeloid leukemia. Review status: no classification provided. Collection method: in vitro. Allele origin: not applicable. Functional consequence: skipped exon, retained intron. Not counted in ClinVar's aggregate classification.

Dr. Peter K. Rogan Lab, Western University
No classification provided (evidence only). Condition: Sarcoma. Review status: no classification provided. Collection method: in vitro. Allele origin: not applicable. Functional consequence: retained intron. Not counted in ClinVar's aggregate classification.

Dr. Peter K. Rogan Lab, Western University
No classification provided (evidence only). Condition: Ovarian serous cystadenocarcinoma. Review status: no classification provided. Collection method: in vitro. Allele origin: not applicable. Functional consequence: retained intron. Not counted in ClinVar's aggregate classification.